The following is an entry in ClinVar:

NM_133496.5(SLC30A7):c.826A>G (p.Ile276Val)

Gene: SLC30A7 (solute carrier family 30 member 7; plus strand). Cytogenetic location: 1p21.2.
Variant type: single nucleotide variant.
Coding change: c.826A>G on transcript NM_133496.5 (MANE Select); coding-DNA position 826, A replaced by G.
Protein change: p.Ile276Val; replaces isoleucine 276 with valine.
Molecular consequence: missense variant.
Genome position (GRCh38, 1-based): chr1:100,921,825, A>G. VCF-style: chr1-100921825-A-G. GRCh37 (hg19) VCF-style: chr1-101387381-A-G.
Other names: c.826A>G, p.Ile276Val (NM_001144884.2); short protein forms I276V.
Identifiers: ClinVar variation 2893057 (VCV002893057.3), dbSNP rs147857679, ClinGen allele CA972218.

ClinVar aggregate classification (germline): Uncertain significance (1 of 4 stars; one submission).

Allele frequency attached by ClinVar (database versions not stated): ExAC 0.00002; gnomAD exomes 0.00002; gnomAD 0.00003; TOPMed 0.00003; ESP Exome Variant Server 0.00015.
gnomAD v4.1: 35 of 1,612,656 alleles (0.0022%); highest among the groups gnomAD compares: African/African-American, 0.004%; no homozygotes.

Submission:

Labcorp Genetics (formerly Invitae), Labcorp
Classification: Uncertain significance. Last evaluated: 2024-01-25. Review status: criteria provided, single submitter. Criteria: Invitae Variant Classification Sherloc (09022015). Collection method: clinical testing. Allele origin: germline.
Comment: This sequence change replaces isoleucine, which is neutral and non-polar, with valine, which is neutral and non-polar, at codon 276 of the SLC30A7 protein (p.Ile276Val). This variant is present in population databases (rs147857679, gnomAD 0.002%). This variant has not been reported in the literature in individuals affected with SLC30A7-related conditions. Algorithms developed to predict the effect of missense changes on protein structure and function output the following: SIFT: "Not Available"; PolyPhen-2: "Benign"; Align-GVGD: "Not Available". The valine amino acid residue is found in multiple mammalian species, which suggests that this missense change does not adversely affect protein function. In summary, the available evidence is currently insufficient to determine the role of this variant in disease. Therefore, it has been classified as a Variant of Uncertain Significance.